The following is an entry in ClinVar:

ClinVar aggregate classification (germline): Pathogenic. Review status: reviewed by expert panel (3 of 4 stars). 2 submissions from 2 submitters: Pathogenic (1). 1 of the submissions does not count toward it. Last evaluated 2022-05-17.

Conditions:
Glanzmann thrombasthenia. Also called: PLATELET GLYCOPROTEIN IIb-IIIa DEFICIENCY; Glanzmann's thrombasthenia; BLEEDING DISORDER, PLATELET-TYPE, 2; THROMBASTHENIA OF GLANZMANN AND NAEGELI; Thrombasthenia. Identifiers: Orphanet 849, MedGen C0040015, MONDO:0100326.

Submissions (2):

ClinGen Platelet Disorders Variant Curation Expert Panel, ClinGen
Classification: Pathogenic for Glanzmann thrombasthenia. Last evaluated: 2022-05-17. Review status: reviewed by expert panel. Criteria: ClinGen Platelet ACMG Specifications v2-1. Collection method: curation. Allele origin: germline. Inheritance: Autosomal recessive inheritance.
Comment: The NM_000212.3(ITGB3):c.1406dup (p.Asn470Ter) variant in exon 10/15 is a nonsense variant predicted to lead to nonsense mediated decay in a gene in which loss-of-function is an established disease mechanism (PVS1). The highest population minor allele frequency in gnomAD v2.1.1 is 0.000008791 (1/113752 alleles) in the European population, which is lower than the ClinGen PD VCEP threshold (<0.0001; PM2_Supporting). This variant has been reported in at least two GT patients, including the proband from PMID: 29615672, this patient displayed mucocutaneous bleeding and impaired aggregation with all agonists except ristocetin, which is highly specific for Glanzmann thrombasthenia. Additionally, alphaIIbbeta3 surface expression was severely reduced to 6-7%, as measured by flow cytometry (PP4_strong). Patient 2 of PMID: 14985172 is homozygous for this variant (PM3_supporting). In summary this variant meets criteria to be classified as Pathogenic for autosomal recessive Glanzmann Thrombasthenia based on the ACMG/AMP criteria applied, as specified by the ClinGen PD VCEP: PVS1, PM2_supporting, PM3_supporitng, PP4_strong. (VCEP specifications version 2; date of approval 05/17/2022)

Labcorp Genetics (formerly Invitae), Labcorp
Classification: Pathogenic. Last evaluated: 2023-11-24. Review status: criteria provided, single submitter. Criteria: Invitae Variant Classification Sherloc (09022015). Collection method: clinical testing. Allele origin: germline. Not counted in ClinVar's aggregate classification.
Comment: This sequence change creates a premature translational stop signal (p.Asn470*) in the ITGB3 gene. It is expected to result in an absent or disrupted protein product. Loss-of-function variants in ITGB3 are known to be pathogenic (PMID: 21917754). This variant is present in population databases (no rsID available, gnomAD 0.0009%). This premature translational stop signal has been observed in individual(s) with autosomal recessive Glanzmann thrombasthenia (PMID: 14985172). ClinVar contains an entry for this variant (Variation ID: 1691460). For these reasons, this variant has been classified as Pathogenic.

Literature cited by the submitters: PubMed 21917754 (cited by Labcorp Genetics (formerly Invitae), Labcorp); PubMed 14985172 (cited by Labcorp Genetics (formerly Invitae), Labcorp).

NM_000212.3(ITGB3):c.1406dup (p.Pro469_Asn470insTer)

Gene: ITGB3 (integrin subunit beta 3; plus strand). Cytogenetic location: 17q21.32.
Variant type: Duplication.
Coding change: c.1406dup on transcript NM_000212.3 (MANE Select); coding-DNA position 1406, one base duplicated (C; older notation c.1406dupC).
Protein change: p.Pro469_Asn470insTer.
Molecular consequence: frameshift variant.
Genome position (GRCh38, 1-based): chr17:47,292,284, C duplicated; the last of 2 consecutive C bases (chr17:47,292,283-47,292,284); duplicating either gives the same sequence. VCF-style (leftmost placement, unchanged base first): chr17-47292282-A-AC. GRCh37 (hg19) VCF-style: chr17-45369648-A-AC.
Other names: NM_000212.3:c.1406dup.
Identifiers: ClinVar variation 1691460 (VCV001691460.5), dbSNP rs1567766810, ClinGen allele CA626684863.